The following is an entry in ClinVar:

NM_001277115.2(DNAH11):c.11202+13G>A

Gene: DNAH11 (dynein axonemal heavy chain 11; plus strand). Cytogenetic location: 7p15.3.
Variant type: single nucleotide variant.
Coding change: c.11202+13G>A on transcript NM_001277115.2 (MANE Select); 13 bases into the intron after coding-DNA position 11202, G replaced by A.
Molecular consequence: intron variant.
Genome position (GRCh38, 1-based): chr7:21,854,468, G>A. VCF-style: chr7-21854468-G-A. GRCh37 (hg19) VCF-style: chr7-21894086-G-A.
Identifiers: ClinVar variation 163124 (VCV000163124.28), dbSNP rs73279830, ClinGen allele CA175754.

ClinVar aggregate classification (germline): Benign/Likely benign. Review status: criteria provided, multiple submitters, no conflicts (2 of 4 stars). 6 submissions from 6 submitters: Benign (4); Likely benign (2). Last evaluated 2026-02-04.

Conditions:
Primary ciliary dyskinesia. Also called: Ciliary dyskinesia. Identifiers: Orphanet 244, MedGen C0008780, MONDO:0016575, HP:0012265.

Allele frequency attached by ClinVar (database versions not stated): gnomAD exomes 0.09112; ExAC 0.09839; ESP Exome Variant Server 0.12954; gnomAD 0.13662 and 0.13824; TOPMed 0.14399; 1000 Genomes Project 0.18970; 1000 Genomes Project 30x 0.19176.
gnomAD v4.1: 112,398 of 1,609,544 alleles (7%); highest among the groups gnomAD compares: African/African-American, 33%; 8,013 homozygotes.

Submissions (6):

Labcorp Genetics (formerly Invitae), Labcorp
Classification: Benign for Primary ciliary dyskinesia. Last evaluated: 2026-02-04. Review status: criteria provided, single submitter. Criteria: Invitae Variant Classification Sherloc (09022015). Collection method: clinical testing. Allele origin: germline.

Blueprint Genetics
Classification: Likely benign. Last evaluated: 2024-11-27. Review status: criteria provided, single submitter. Criteria: ACMG Guidelines, 2015. Collection method: clinical testing. Allele origin: germline.

GeneDx
Classification: Benign. Last evaluated: 2018-12-31. Review status: criteria provided, single submitter. Criteria: GeneDx Variant Classification Process June 2021. Collection method: clinical testing. Allele origin: germline. Affected: yes.

Laboratory for Molecular Medicine, Mass General Brigham Personalized Medicine
Classification: Benign. Last evaluated: 2013-02-21. Review status: criteria provided, single submitter. Criteria: LMM Criteria. Collection method: clinical testing. Allele origin: germline. Observed: 19 variant alleles.
Comment: 11202+13G>A in intron 68 of DNAH11: This variant is not expected to have clinica l significance because it is not located within the conserved splice consensus s equence. It has been identified in 32.3% (1157/3584) of African American chromos omes from a broad population by the NHLBI Exome Sequencing Project (s.; dbSNP rs73279830).

Breakthrough Genomics
Classification: Likely benign. Review status: criteria provided, single submitter. Criteria: ACMG Guidelines, 2015. Collection method: not provided. Allele origin: germline. Inheritance: Autosomal recessive inheritance. Affected: yes.

PreventionGenetics, part of Exact Sciences
Classification: Benign. Review status: criteria provided, single submitter. Criteria: ACMG Guidelines, 2015. Collection method: clinical testing. Allele origin: germline.